The following is an entry in ClinVar:

ClinVar aggregate classification (germline): Uncertain significance (1 of 4 stars; one submission).

Conditions:
RYR1-related disorder. Also called: RYR1-related condition; RYR1-related disorders. Identifiers: MedGen CN239331.

Submission:

Labcorp Genetics (formerly Invitae), Labcorp
Classification: Uncertain significance for RYR1-related disorder. Last evaluated: 2022-10-20. Review status: criteria provided, single submitter. Criteria: Invitae Variant Classification Sherloc (09022015). Collection method: clinical testing. Allele origin: germline.
Comment: This variant results in a copy number gain of the genomic region encompassing exon(s) 1-7 of the RYR1 gene. This region includes the initiator codon of the gene. This copy number gain extends beyond the assayed region for this gene and therefore may encompass additional genes. As the precise location of this event is unknown, it may be in tandem or it may be located elsewhere in the genome. This variant has not been reported in the literature in individuals affected with RYR1-related conditions. Experimental studies and prediction algorithms are not available or were not evaluated, and the functional significance of this variant is currently unknown. In summary, the available evidence is currently insufficient to determine the role of this variant in disease. Therefore, it has been classified as a Variant of Uncertain Significance.

NC_000019.9:g.(?_38924470)_(38935337_?)dup

Gene: RYR1 (ryanodine receptor 1; plus strand). Cytogenetic location: 19q13.2.
Variant type: Duplication.
Identifiers: ClinVar variation 2423271 (VCV002423271.3).